The following is an entry in ClinVar:

ClinVar aggregate classification (germline): Uncertain significance (1 of 4 stars; one submission).

Submission:

GeneDx
Classification: Uncertain significance. Last evaluated: 2026-02-18. Review status: criteria provided, single submitter. Criteria: GeneDx Variant Classification Process June 2021. Collection method: clinical testing. Allele origin: germline.
Comment: Not observed at significant frequency in large population cohorts (gnomAD); In silico analysis supports that this missense variant has a deleterious effect on protein structure/function; Has not been previously published as pathogenic or benign to our knowledge

NM_194277.3(FRMD7):c.641T>C (p.Leu214Ser)

Gene: FRMD7 (FERM domain containing 7; minus strand). Cytogenetic location: Xq26.2.
Variant type: single nucleotide variant.
Coding change: c.641T>C on transcript NM_194277.3 (MANE Select); coding-DNA position 641, T replaced by C.
Protein change: p.Leu214Ser; replaces leucine 214 with serine.
Molecular consequence: missense variant.
Genome position (GRCh38, 1-based): chrX:132,085,585, A>G on the plus strand (T>C on the coding strand, the complement: FRMD7 is on the minus strand). VCF-style: chrX-132085585-A-G. GRCh37 (hg19) VCF-style: chrX-131219613-A-G.
Other names: c.596T>C, p.Leu199Ser (NM_001306193.2); short protein forms L199S, L214S.
Identifiers: ClinVar variation 5009744 (VCV005009744.1).
Genomic context (GRCh38, chrX:132,085,585, plus strand): 5'-GCCAAGATAACCACCCCTCACTAAAGCTGAAGGGCTTGAAAGGAAAGAGATTTTACCCGT[A>G]ACACCAGTACTCCCATGTGAGCAACAGCCAGGTGAATCTGCATCCCTTCACCATCACTGG-3'
Protein context (NP_919253.1, residues 204-224): LAVAHMGVLV[Leu214Ser]RGNTKINTFN